The following is an entry in ClinVar:

ClinVar aggregate classification (germline): Pathogenic (1 of 4 stars; one submission).

Conditions:
Intellectual developmental disorder, autosomal dominant 6, with or without seizures. Also called: GRIN2B-related developmental delay, intellectual disability and autism spectrum disorder; Intellectual disability, autosomal dominant 6. Identifiers: Orphanet 589547, MedGen C3151411, MONDO:0013509, OMIM 613970.

Submission:

Greenwood Genetic Center Diagnostic Laboratories, Greenwood Genetic Center
Classification: Pathogenic for Intellectual developmental disorder, autosomal dominant 6, with or without seizures. Last evaluated: 2023-04-19. Review status: criteria provided, single submitter. Criteria: ACMG Guidelines, 2015. Collection method: clinical testing. Allele origin: germline. Affected: yes.
Comment: PS2, PM2, PM5, PP2, PP3

NM_000834.5(GRIN2B):c.1382G>A (p.Cys461Tyr)

Gene: GRIN2B (glutamate ionotropic receptor NMDA type subunit 2B; minus strand). Cytogenetic location: 12p13.1.
Variant type: single nucleotide variant.
Coding change: c.1382G>A on transcript NM_000834.5 (MANE Select); coding-DNA position 1382, G replaced by A.
Protein change: p.Cys461Tyr; replaces cysteine 461 with tyrosine.
Molecular consequence: missense variant.
Genome position (GRCh38, 1-based): chr12:13,615,611, C>T on the plus strand (G>A on the coding strand, the complement: GRIN2B is on the minus strand). VCF-style: chr12-13615611-C-T. GRCh37 (hg19) VCF-style: chr12-13768545-C-T.
Other names: c.1382G>A, p.Cys461Tyr (NM_001413992.1); short protein forms C461Y.
Identifiers: ClinVar variation 2572350 (VCV002572350.1), dbSNP rs1949427787, ClinGen allele CA384052301.